The following is an entry in ClinVar:

NM_015338.6(ASXL1):c.2588A>G (p.Asp863Gly)

Gene: ASXL1 (ASXL transcriptional regulator 1; plus strand). Cytogenetic location: 20q11.21.
Variant type: single nucleotide variant.
Coding change: c.2588A>G on transcript NM_015338.6 (MANE Select); coding-DNA position 2588, A replaced by G.
Protein change: p.Asp863Gly; replaces aspartic acid 863 with glycine.
Molecular consequence: missense variant.
Genome position (GRCh38, 1-based): chr20:32,435,300, A>G. VCF-style: chr20-32435300-A-G. GRCh37 (hg19) VCF-style: chr20-31023103-A-G.
Other names: c.2405A>G, p.Asp802Gly (NM_001363734.1); short protein forms D802G, D863G.
Identifiers: ClinVar variation 2904831 (VCV002904831.3), dbSNP rs764294559, ClinGen allele CA9808657.
Genomic context (GRCh38, chr20:32,435,300, plus strand): 5'-TGACCCCCAGTTCCACACCTGAATCCTCACCGACTGATTGCCTGCAGAACAGAGCATTTG[A>G]TGACGAATTAGGGCTTGGTGGCTCATGCCCTCCTATGAGGGAAAGTGATACTAGACAAGA-3'
Protein context (NP_056153.2, residues 853-873): PTDCLQNRAF[Asp863Gly]DELGLGGSCP

ClinVar aggregate classification (germline): Uncertain significance (1 of 4 stars; one submission).

Allele frequency attached by ClinVar (database versions not stated): ExAC 0.00001; gnomAD exomes 0.00001; gnomAD 0.00003; TOPMed 0.00004.
gnomAD v4.1: 18 of 1,614,050 alleles (0.0011%); highest among the groups gnomAD compares: African/African-American, 0.017%; no homozygotes.

Submission:

Labcorp Genetics (formerly Invitae), Labcorp
Classification: Uncertain significance. Last evaluated: 2024-09-19. Review status: criteria provided, single submitter. Criteria: Invitae Variant Classification Sherloc (09022015). Collection method: clinical testing. Allele origin: germline.
Comment: This sequence change replaces aspartic acid, which is acidic and polar, with glycine, which is neutral and non-polar, at codon 863 of the ASXL1 protein (p.Asp863Gly). This variant is present in population databases (rs764294559, gnomAD 0.02%). This variant has not been reported in the literature in individuals affected with ASXL1-related conditions. An algorithm developed to predict the effect of missense changes on protein structure and function (PolyPhen-2) suggests that this variant is likely to be disruptive. In summary, the available evidence is currently insufficient to determine the role of this variant in disease. Therefore, it has been classified as a Variant of Uncertain Significance.